The following is an entry in ClinVar:

NM_032578.4(MYPN):c.106G>C (p.Glu36Gln)

Gene: MYPN (myopalladin; plus strand). Cytogenetic location: 10q21.3.
Variant type: single nucleotide variant.
Coding change: c.106G>C on transcript NM_032578.4 (MANE Select); coding-DNA position 106, G replaced by C.
Protein change: p.Glu36Gln; replaces glutamic acid 36 with glutamine.
Molecular consequence: missense variant. On other transcripts: 5 prime UTR variant (1), non-coding transcript variant (1).
Genome position (GRCh38, 1-based): chr10:68,121,544, G>C. VCF-style: chr10-68121544-G-C. GRCh37 (hg19) VCF-style: chr10-69881301-G-C.
Other names: c.106G>C, p.Glu36Gln (NM_001256267.2); c.-1017G>C (NM_001256268.2); c.106G>C (NM_032578.2); short protein forms E36Q.
Identifiers: ClinVar variation 1202867 (VCV001202867.12), dbSNP rs768904251, ClinGen allele CA5522226.

ClinVar aggregate classification (germline): Uncertain significance. Review status: criteria provided, multiple submitters, no conflicts (2 of 4 stars). 3 submissions from 3 submitters: Uncertain significance (3). Last evaluated 2025-08-09.

Conditions:
Cardiovascular phenotype. Identifiers: MedGen CN230736.
Dilated cardiomyopathy 1KK (CMD1KK). Identifiers: Orphanet 154, Orphanet 75249, MedGen C3714995, MONDO:0014100, OMIM 615248.

Allele frequency attached by ClinVar (database versions not stated): gnomAD 0.00001; TOPMed 0.00001; ExAC 0.00002; gnomAD exomes 0.00002.
gnomAD v4.1: 35 of 1,614,074 alleles (0.0022%); highest among the groups gnomAD compares: Non-Finnish European, 0.0028%; no homozygotes.

Submissions (3):

Ambry Genetics
Classification: Uncertain significance for Cardiovascular phenotype. Last evaluated: 2025-08-09. Review status: criteria provided, single submitter. Criteria: Ambry Variant Classification Scheme 2023. Collection method: clinical testing. Allele origin: germline.

Labcorp Genetics (formerly Invitae), Labcorp
Classification: Uncertain significance for Dilated cardiomyopathy 1KK. Last evaluated: 2022-03-18. Review status: criteria provided, single submitter. Criteria: Invitae Variant Classification Sherloc (09022015). Collection method: clinical testing. Allele origin: germline.
Comment: This sequence change replaces glutamic acid, which is acidic and polar, with glutamine, which is neutral and polar, at codon 36 of the MYPN protein (p.Glu36Gln). This variant is present in population databases (rs768904251, gnomAD 0.003%). This variant has not been reported in the literature in individuals affected with MYPN-related conditions. ClinVar contains an entry for this variant (Variation ID: 1202867). Algorithms developed to predict the effect of missense changes on protein structure and function are either unavailable or do not agree on the potential impact of this missense change (SIFT: "Tolerated"; PolyPhen-2: "Probably Damaging"; Align-GVGD: "Class C0"). In summary, the available evidence is currently insufficient to determine the role of this variant in disease. Therefore, it has been classified as a Variant of Uncertain Significance.

GeneDx
Classification: Uncertain significance. Last evaluated: 2020-01-16. Review status: criteria provided, single submitter. Criteria: GeneDx Variant Classification Process June 2021. Collection method: clinical testing. Allele origin: germline. Affected: yes.
Comment: Has not been previously published as pathogenic or benign to our knowledge; Not observed at a significant frequency in large population cohorts (Lek et al., 2016); In silico analysis, which includes protein predictors and evolutionary conservation, supports that this variant does not alter protein structure/function